The following is an entry in ClinVar:

ClinVar aggregate classification (germline): Likely benign. Review status: criteria provided, multiple submitters, no conflicts (2 of 4 stars). 2 submissions from 2 submitters: Likely benign (2). Last evaluated 2024-11-28.

Allele frequency attached by ClinVar (database versions not stated): 1000 Genomes Project 30x 0.00016; 1000 Genomes Project 0.00020; ESP Exome Variant Server 0.00077; TOPMed 0.00084; gnomAD 0.00085; gnomAD exomes 0.00092; ExAC 0.00137.
gnomAD v4.1: 1,446 of 1,583,458 alleles (0.091%); highest among the groups gnomAD compares: Admixed American, 0.1%; no homozygotes.

Submissions (2):

Blueprint Genetics
Classification: Likely benign. Last evaluated: 2024-11-28. Review status: criteria provided, single submitter. Criteria: ACMG Guidelines, 2015. Collection method: clinical testing. Allele origin: germline.

CeGaT Center for Human Genetics Tuebingen
Classification: Likely benign. Last evaluated: 2022-03-01. Review status: criteria provided, single submitter. Criteria: CeGaT Center For Human Genetics Tuebingen Variant Classification Criteria Version 2. Collection method: clinical testing. Allele origin: germline. Affected: yes. Observed: 1 variant allele.
Comment: CARD10: BP4, BP7

NM_014550.4(CARD10):c.981G>A (p.Glu327=)

Gene: CARD10 (caspase recruitment domain family member 10; minus strand). Cytogenetic location: 22q13.1.
Variant type: single nucleotide variant.
Coding change: c.981G>A on transcript NM_014550.4 (MANE Select); coding-DNA position 981, G replaced by A.
Protein change: p.Glu327=; no amino-acid change (glutamic acid 327 retained).
Molecular consequence: synonymous variant.
Genome position (GRCh38, 1-based): chr22:37,508,611, C>T on the plus strand (G>A on the coding strand, the complement: CARD10 is on the minus strand). VCF-style: chr22-37508611-C-T. GRCh37 (hg19) VCF-style: chr22-37904618-C-T.
Identifiers: ClinVar variation 2653116 (VCV002653116.25), dbSNP rs149544125, ClinGen allele CA10220006.